The following is an entry in ClinVar:

NM_001199397.3(NEK1):c.3374+5G>A

Gene: NEK1 (NIMA related kinase 1; minus strand). Cytogenetic location: 4q33.
Variant type: single nucleotide variant.
Coding change: c.3374+5G>A on transcript NM_001199397.3 (MANE Select); 5 bases into the intron after coding-DNA position 3374, G replaced by A.
Molecular consequence: intron variant.
Genome position (GRCh38, 1-based): chr4:169,406,591, C>T on the plus strand (G>A on the coding strand, the complement: NEK1 is on the minus strand). VCF-style: chr4-169406591-C-T. GRCh37 (hg19) VCF-style: chr4-170327742-C-T.
Other names: c.2891+5G>A (NM_001374421.1); c.3239+5G>A (NM_001374420.1); c.3083+5G>A (NM_001199399.3); c.3242+5G>A (NM_001199398.3); c.3290+5G>A (NM_001374419.1, NM_012224.4); c.3158+5G>A (NM_001199400.3); c.3374+5G>A (NM_001374418.1).
Identifiers: ClinVar variation 1024755 (VCV001024755.6), dbSNP rs1167084363, ClinGen allele CA556177033.

ClinVar aggregate classification (germline): Uncertain significance (1 of 4 stars; one submission).

Conditions:
Short-rib thoracic dysplasia 6 with or without polydactyly (SRTD6). Also called: POLYDACTYLY WITH NEONATAL CHONDRODYSTROPHY, TYPE II; Majewski Syndrome; SHORT-RIB THORACIC DYSPLASIA 6 WITH POLYDACTYLY; SHORT-RIB THORACIC DYSPLASIA 6 WITHOUT POLYDACTYLY; SHORT RIB-POLYDACTYLY SYNDROME, TYPE IIA. Identifiers: MedGen C0024507, MONDO:0009894, OMIM 263520.

gnomAD v4.1: 2 of 1,582,850 alleles (0.00013%); highest among the groups gnomAD compares: East Asian, 0.0045%; no homozygotes.

Submission:

Labcorp Genetics (formerly Invitae), Labcorp
Classification: Uncertain significance for Short-rib thoracic dysplasia 6 with or without polydactyly. Last evaluated: 2020-08-14. Review status: criteria provided, single submitter. Criteria: Invitae Variant Classification Sherloc (09022015). Collection method: clinical testing. Allele origin: germline.
Comment: In summary, the available evidence is currently insufficient to determine the role of this variant in disease. Therefore, it has been classified as a Variant of Uncertain Significance. Nucleotide substitutions within the consensus splice site are a relatively common cause of aberrant splicing (PMID: 17576681, 9536098). Algorithms developed to predict the effect of sequence changes on RNA splicing suggest that this variant may disrupt the consensus splice site, but this prediction has not been confirmed by published transcriptional studies. This variant has not been reported in the literature in individuals with NEK1-related conditions. This variant is not present in population databases (ExAC no frequency). This sequence change falls in intron 30 of the NEK1 gene. It does not directly change the encoded amino acid sequence of the NEK1 protein, but it affects a nucleotide within the consensus splice site of the intron.

Literature cited by the submitters: PubMed 17576681; PubMed 9536098.